The following is an entry in ClinVar:

ClinVar aggregate classification (germline): Likely benign (1 of 4 stars; one submission).

Allele frequency attached by ClinVar (database versions not stated): TOPMed 0.00007; gnomAD 0.00031; gnomAD exomes 0.00046; ExAC 0.00138; 1000 Genomes Project 30x 0.00187; 1000 Genomes Project 0.00240.
gnomAD v4.1: 730 of 1,612,998 alleles (0.045%); highest among the groups gnomAD compares: South Asian, 0.66%; 17 homozygotes.

Submission:

CeGaT Center for Human Genetics Tuebingen
Classification: Likely benign. Last evaluated: 2022-04-01. Review status: criteria provided, single submitter. Criteria: CeGaT Center For Human Genetics Tuebingen Variant Classification Criteria Version 2. Collection method: clinical testing. Allele origin: germline. Affected: yes. Observed: 1 variant allele.
Comment: ATG4B: BP4, BS2

NM_013325.5(ATG4B):c.539-8C>T

Gene: ATG4B (autophagy related 4B cysteine peptidase; plus strand). Cytogenetic location: 2q37.3.
Variant type: single nucleotide variant.
Coding change: c.539-8C>T on transcript NM_013325.5 (MANE Select); 8 bases into the intron before coding-DNA position 539, C replaced by T.
Molecular consequence: intron variant.
Genome position (GRCh38, 1-based): chr2:241,666,637, C>T. VCF-style: chr2-241666637-C-T. GRCh37 (hg19) VCF-style: chr2-242606052-C-T.
Other names: c.539-8C>T (NM_178326.3).
Identifiers: ClinVar variation 2652115 (VCV002652115.24), dbSNP rs535295714, ClinGen allele CA2220650.
Genomic context (GRCh38, chr2:241,666,637, plus strand): 5'-GCTTGCTTGTTGTGGGAGCACTTTTGCACAGGTCTGCTTGGTTAGTGAAAGCATGTCTCC[C>T]TTTCTAGGAAGGTTGTGCAGGACCAGCGTTCCCTGTGCAGGCGCCACTGCGTTTCCTGCA-3'